The following is an entry in ClinVar:

ClinVar aggregate classification (germline): Uncertain significance (1 of 4 stars; one submission).

Conditions:
Brachyolmia-amelogenesis imperfecta syndrome. Also called: PLATYSPONDYLY WITH AMELOGENESIS IMPERFECTA; Tooth agenesis, selective, 6; Dental anomalies and short stature. Identifiers: Orphanet 2899, MedGen C1832594, MONDO:0011018, OMIM 601216. Disease mechanism: loss of function.

gnomAD v4.1: 3 of 1,609,572 alleles (0.00019%); highest among the groups gnomAD compares: Admixed American, 0.0017%; no homozygotes.

Submission:

Labcorp Genetics (formerly Invitae), Labcorp
Classification: Uncertain significance for Brachyolmia-amelogenesis imperfecta syndrome. Last evaluated: 2024-05-10. Review status: criteria provided, single submitter. Criteria: Invitae Variant Classification Sherloc (09022015). Collection method: clinical testing. Allele origin: germline.
Comment: This sequence change falls in intron 21 of the LTBP3 gene. It does not directly change the encoded amino acid sequence of the LTBP3 protein. It affects a nucleotide within the consensus splice site. The frequency data for this variant in the population databases is considered unreliable, as metrics indicate poor data quality at this position in the gnomAD database. This variant has not been reported in the literature in individuals affected with LTBP3-related conditions. Variants that disrupt the consensus splice site are a relatively common cause of aberrant splicing (PMID: 17576681, 9536098). Algorithms developed to predict the effect of sequence changes on RNA splicing suggest that this variant is not likely to affect RNA splicing. In summary, the available evidence is currently insufficient to determine the role of this variant in disease. Therefore, it has been classified as a Variant of Uncertain Significance.

Literature cited by the submitters: PubMed 17576681; PubMed 9536098.

NM_001130144.3(LTBP3):c.2977+6C>T

Genes: LTBP3 (latent transforming growth factor beta binding protein 3; minus strand), LOC121832793 (Sharpr-MPRA regulatory region 4001; plus strand). Cytogenetic location: 11q13.1.
Variant type: single nucleotide variant.
Coding change: c.2977+6C>T on transcript NM_001130144.3 (MANE Select); 6 bases into the intron after coding-DNA position 2977, C replaced by T.
Molecular consequence: intron variant.
Genome position (GRCh38, 1-based): chr11:65,540,865, G>A on the plus strand (C>T on the coding strand, the complement: LTBP3 is on the minus strand). VCF-style: chr11-65540865-G-A. GRCh37 (hg19) VCF-style: chr11-65308336-G-A.
Other names: c.2626+6C>T (NM_001164266.1); c.2977+6C>T (NM_021070.4).
Identifiers: ClinVar variation 3698001 (VCV003698001.2).